The following is an entry in ClinVar:

ClinVar aggregate classification (germline): Uncertain significance. Review status: criteria provided, multiple submitters, no conflicts (2 of 4 stars). 2 submissions from 2 submitters: Uncertain significance (2). Last evaluated 2022-05-26.

Conditions:
Inborn genetic diseases. Identifiers: MedGen C0950123, MeSH D030342.
Hereditary sensory and autonomic neuropathy type 6. Also called: HSAN VI; Neuropathy, hereditary sensory and autonomic, type VI. Identifiers: Orphanet 314381, MedGen C3539003, MONDO:0013839, OMIM 614653.
Epidermolysis bullosa simplex 3, localized or generalized intermediate, with BP230 deficiency (EBS3). Also called: Epidermolysis bullosa simplex, autosomal recessive 2; Epidermolysis bullosa simplex due to BP230 deficiency. Identifiers: Orphanet 412181, MedGen C3809470, MONDO:0014180, OMIM 615425.

Allele frequency attached by ClinVar (database versions not stated): gnomAD 0.00001; ExAC 0.00003; TOPMed 0.00003; gnomAD exomes 0.00005.
gnomAD v4.1: 14 of 1,613,504 alleles (0.00087%); highest among the groups gnomAD compares: Admixed American, 0.023%; no homozygotes.

Submissions (2):

Labcorp Genetics (formerly Invitae), Labcorp
Classification: Uncertain significance for Epidermolysis bullosa simplex 3, localized or generalized intermediate, with BP230 deficiency; Hereditary sensory and autonomic neuropathy type 6. Last evaluated: 2022-05-26. Review status: criteria provided, single submitter. Criteria: Invitae Variant Classification Sherloc (09022015). Collection method: clinical testing. Allele origin: germline.
Comment: The DST gene has multiple clinically relevant transcripts. This variant occurs in alternate transcript NM_015548.4, and corresponds to NM_001723.5:c.*78602C>A in the primary transcript. This sequence change replaces proline, which is neutral and non-polar, with histidine, which is basic and polar, at codon 2922 of the DST protein (p.Pro2922His). This variant is present in population databases (rs776611722, gnomAD 0.03%). This variant has not been reported in the literature in individuals affected with DST-related conditions. Experimental studies and prediction algorithms are not available or were not evaluated, and the functional significance of this variant is currently unknown. In summary, the available evidence is currently insufficient to determine the role of this variant in disease. Therefore, it has been classified as a Variant of Uncertain Significance.

Ambry Genetics
Classification: Uncertain significance for Inborn genetic diseases. Last evaluated: 2019-10-31. Review status: criteria provided, single submitter. Criteria: Ambry Variant Classification Scheme 2023. Collection method: clinical testing. Allele origin: germline.
Comment: The p.P3426H variant (also known as c.10277C>A), located in coding exon 56 of the DST gene, results from a C to A substitution at nucleotide position 10277. The proline at codon 3426 is replaced by histidine, an amino acid with similar properties. This amino acid position is well conserved in available vertebrate species. In addition, this alteration is predicted to be tolerated by in silico analysis. Since supporting evidence is limited at this time, the clinical significance of this alteration remains unclear.

NM_001374736.1(DST):c.16634C>A (p.Pro5545His)

Gene: DST (dystonin; minus strand). Cytogenetic location: 6p12.1.
Variant type: single nucleotide variant.
Coding change: c.16634C>A on transcript NM_001374736.1 (MANE Select); coding-DNA position 16634, C replaced by A.
Protein change: p.Pro5545His; replaces proline 5545 with histidine.
Molecular consequence: missense variant.
Genome position (GRCh38, 1-based): chr6:56,536,915, G>T on the plus strand (C>A on the coding strand, the complement: DST is on the minus strand). VCF-style: chr6-56536915-G-T. GRCh37 (hg19) VCF-style: chr6-56401713-G-T.
Other names: c.9743C>A, p.Pro3248His (NM_183380.4, NM_001374730.1, NM_001386100.1); c.10277C>A, p.Pro3426His (NM_001144769.5); c.16001C>A, p.Pro5334His (NM_001374729.1); c.16661C>A, p.Pro5554His (NM_001374734.1); c.8765C>A, p.Pro2922His (NM_015548.5); c.9863C>A, p.Pro3288His (NM_001144770.2); c.16634C>A, p.Pro5545His (NM_001374722.1); short protein forms P2922H, P3248H, P3288H, P3426H, P5334H, P5545H, P5554H.
Identifiers: ClinVar variation 1014238 (VCV001014238.8), dbSNP rs776611722, ClinGen allele CA3867629.